The following is an entry in ClinVar:

ClinVar aggregate classification (germline): Uncertain significance. Review status: criteria provided, multiple submitters, no conflicts (2 of 4 stars). 3 submissions from 3 submitters: Uncertain significance (3). Last evaluated 2024-10-11.

Conditions:
Familial dysautonomia. Also called: HSAN III; FD. Identifiers: Orphanet 1764, MedGen C0013364, MONDO:0009131, OMIM 223900. Disease mechanism: loss of function.
Medulloblastoma (MDB). Also called: MEDULLOBLASTOMA PREDISPOSITION SYNDROME; Medulloblastoma, somatic. Identifiers: Orphanet 616, MedGen C0025149, MeSH D008527, MONDO:0007959, OMIM 155255, HP:0002885.

Allele frequency attached by ClinVar (database versions not stated): ExAC 0.00001; gnomAD 0.00001; gnomAD exomes 0.00001; TOPMed 0.00002.
gnomAD v4.1: 12 of 1,613,982 alleles (0.00074%); highest among the groups gnomAD compares: African/African-American, 0.004%; no homozygotes.

Submissions (3):

Ambry Genetics
Classification: Uncertain significance. Last evaluated: 2024-10-11. Review status: criteria provided, single submitter. Criteria: Ambry Variant Classification Scheme 2023. Collection method: clinical testing. Allele origin: germline.

Fulgent Genetics
Classification: Uncertain significance for Medulloblastoma; Familial dysautonomia. Last evaluated: 2024-03-26. Review status: criteria provided, single submitter. Criteria: ACMG Guidelines, 2015. Collection method: clinical testing. Allele origin: germline.

Labcorp Genetics (formerly Invitae), Labcorp
Classification: Uncertain significance. Last evaluated: 2021-08-27. Review status: criteria provided, single submitter. Criteria: Invitae Variant Classification Sherloc (09022015). Collection method: clinical testing. Allele origin: germline.
Comment: This sequence change replaces arginine with tryptophan at codon 358 of the ELP1 protein (p.Arg358Trp). The arginine residue is moderately conserved and there is a moderate physicochemical difference between arginine and tryptophan. This variant is present in population databases (rs750718439, ExAC 0.01%). This variant has not been reported in the literature in individuals affected with ELP1-related conditions. Algorithms developed to predict the effect of missense changes on protein structure and function are either unavailable or do not agree on the potential impact of this missense change (SIFT: "Deleterious"; PolyPhen-2: "Probably Damaging"; Align-GVGD: "Class C0"). In summary, the available evidence is currently insufficient to determine the role of this variant in disease. Therefore, it has been classified as a Variant of Uncertain Significance.

NM_003640.5(ELP1):c.1072C>T (p.Arg358Trp)

Gene: ELP1 (elongator acetyltransferase complex subunit 1; minus strand). Cytogenetic location: 9q31.3.
Variant type: single nucleotide variant.
Coding change: c.1072C>T on transcript NM_003640.5 (MANE Select); coding-DNA position 1072, C replaced by T.
Protein change: p.Arg358Trp; replaces arginine 358 with tryptophan.
Molecular consequence: missense variant.
Genome position (GRCh38, 1-based): chr9:108,912,381, G>A on the plus strand (C>T on the coding strand, the complement: ELP1 is on the minus strand). VCF-style: chr9-108912381-G-A. GRCh37 (hg19) VCF-style: chr9-111674661-G-A.
Other names: c.1072C>T (NM_003640.3); c.730C>T, p.Arg244Trp (NM_001318360.2); c.25C>T, p.Arg9Trp (NM_001330749.2); short protein forms R358W, R244W, R9W.
Identifiers: ClinVar variation 1423805 (VCV001423805.7), dbSNP rs750718439, ClinGen allele CA5175136.